The following is an entry in ClinVar:

NM_007374.3(SIX6):c.34C>A (p.Gln12Lys)

Genes: C14orf39 (chromosome 14 open reading frame 39; minus strand), SIX6 (SIX homeobox 6; plus strand). Cytogenetic location: 14q23.1.
Variant type: single nucleotide variant.
Coding change: c.34C>A on transcript NM_007374.3 (MANE Select); coding-DNA position 34, C replaced by A.
Protein change: p.Gln12Lys; replaces glutamine 12 with lysine.
Molecular consequence: missense variant.
Genome position (GRCh38, 1-based): chr14:60,509,432, C>A. VCF-style: chr14-60509432-C-A. GRCh37 (hg19) VCF-style: chr14-60976150-C-A.
Other names: short protein forms Q12K.
Identifiers: ClinVar variation 2580623 (VCV002580623.1), dbSNP rs2503604867, ClinGen allele CA390086055.

ClinVar aggregate classification (germline): Uncertain significance (1 of 4 stars; one submission).

Submission:

GeneDx
Classification: Uncertain significance. Last evaluated: 2023-03-22. Review status: criteria provided, single submitter. Criteria: GeneDx Variant Classification Process June 2021. Collection method: clinical testing. Allele origin: germline. Affected: yes.
Comment: Not observed at significant frequency in large population cohorts (gnomAD); In silico analysis supports that this missense variant does not alter protein structure/function; Has not been previously published as pathogenic or benign to our knowledge